The following is an entry in ClinVar:

NM_021625.5(TRPV4):c.1285G>A (p.Glu429Lys)

Gene: TRPV4 (transient receptor potential cation channel subfamily V member 4; minus strand). Cytogenetic location: 12q24.11.
Variant type: single nucleotide variant.
Coding change: c.1285G>A on transcript NM_021625.5 (MANE Select); coding-DNA position 1285, G replaced by A.
Protein change: p.Glu429Lys; replaces glutamic acid 429 with lysine.
Molecular consequence: missense variant. On other transcripts: intron variant (2).
Genome position (GRCh38, 1-based): chr12:109,796,572, C>T on the plus strand (G>A on the coding strand, the complement: TRPV4 is on the minus strand). VCF-style: chr12-109796572-C-T. GRCh37 (hg19) VCF-style: chr12-110234377-C-T.
Other names: c.1144G>A, p.Glu382Lys (NM_001177428.2); c.1183G>A, p.Glu395Lys (NM_001177431.2); c.1011+2042G>A (NM_001177433.1); c.1152+2042G>A (NM_147204.2); short protein forms E429K, E382K, E395K.
Identifiers: ClinVar variation 246073 (VCV000246073.2), dbSNP rs879254080, ClinGen allele CA10584399.
Genomic context (GRCh38, chr12:109,796,572, plus strand): 5'-TCCTGGAGCCCACCTCAATCTTGCTGTTGTACACCAGGATCTCCAGCACGGAGGCCTCTT[C>T]CCCACACGTGTCCAGGGAGGAGAGGTCATAAAGCGAGGAATACACTGGCCCATAGGCCCA-3'
Protein context (NP_067638.3, residues 419-439): YDLSSLDTCG[Glu429Lys]EASVLEILVY

ClinVar aggregate classification (germline): Uncertain significance (1 of 4 stars; one submission).

Allele frequency attached by ClinVar (database versions not stated): gnomAD 0.00001; TOPMed below 0.00001.
gnomAD v4.1: 1 of 1,614,076 alleles (0.000062%); highest among the groups gnomAD compares: African/African-American, 0.0013%; no homozygotes.

Submission:

GeneDx
Classification: Uncertain significance. Last evaluated: 2015-11-20. Review status: criteria provided, single submitter. Criteria: GeneDx Variant Classification (06012015). Collection method: clinical testing. Allele origin: germline. Affected: yes.
Comment: The E429K variant in the TRPV4 gene has not been reported previously as a pathogenic variant, nor as a benign variant, to our knowledge. The E429K variant was not observed in approximately 6,500 individuals of European and African American ancestry in the NHLBI Exome Sequencing Project, indicating it is not a common benign variant in these populations. The E429K variant is a non-conservative amino acid substitution, which is likely to impact secondary protein structure as these residues differ in polarity, charge, size and/or other properties. This substitution occurs at a position that is conserved across species. In silico analysis is inconsistent in its predictions as to whether or not the variant is damaging to the protein structure/function. We interpret E429K as a variant of uncertain significance